The following is an entry in ClinVar:

NM_005257.6(GATA6):c.287C>T (p.Ala96Val)

Gene: GATA6 (GATA binding protein 6; plus strand). Cytogenetic location: 18q11.2.
Variant type: single nucleotide variant.
Coding change: c.287C>T on transcript NM_005257.6 (MANE Select); coding-DNA position 287, C replaced by T.
Protein change: p.Ala96Val; replaces alanine 96 with valine.
Molecular consequence: missense variant.
Genome position (GRCh38, 1-based): chr18:22,171,431, C>T. VCF-style: chr18-22171431-C-T. GRCh37 (hg19) VCF-style: chr18-19751392-C-T.
Other names: short protein forms A96V.
Identifiers: ClinVar variation 3252319 (VCV003252319.1), dbSNP rs2510625646.

ClinVar aggregate classification (germline): Uncertain significance (1 of 4 stars; one submission).

Submission:

GeneDx
Classification: Uncertain significance. Last evaluated: 2023-12-07. Review status: criteria provided, single submitter. Criteria: GeneDx Variant Classification Process June 2021. Collection method: clinical testing. Allele origin: germline. Affected: yes.
Comment: Not observed at significant frequency in large population cohorts (gnomAD); In silico analysis supports that this missense variant does not alter protein structure/function; Has not been previously published as pathogenic or benign to our knowledge